The following is an entry in ClinVar:

NM_002473.6(MYH9):c.1306G>A (p.Ala436Thr)

Gene: MYH9 (myosin heavy chain 9; minus strand). Cytogenetic location: 22q12.3.
Variant type: single nucleotide variant.
Coding change: c.1306G>A on transcript NM_002473.6 (MANE Select); coding-DNA position 1306, G replaced by A.
Protein change: p.Ala436Thr; replaces alanine 436 with threonine.
Molecular consequence: missense variant.
Genome position (GRCh38, 1-based): chr22:36,316,591, C>T on the plus strand (G>A on the coding strand, the complement: MYH9 is on the minus strand). VCF-style: chr22-36316591-C-T. GRCh37 (hg19) VCF-style: chr22-36712636-C-T.
Other names: short protein forms A436T.
Identifiers: ClinVar variation 1301638 (VCV001301638.2), dbSNP rs770360786, ClinGen allele CA10210312.
Genomic context (GRCh38, chr22:36,316,591, plus strand): 5'-AGCCGGCAATGTCCAGGATCCCGATGAAGGAGGCGCCCTGCCTCTTGGTCTTGTCCAGAG[C>T]CTTGTTGATGCGCAGCACCAGCCAGCGGAACATCCGCTCATAGGTCGCCTTGGCCAAGGC-3'
Protein context (NP_002464.1, residues 426-446): FRWLVLRINK[Ala436Thr]LDKTKRQGAS

ClinVar aggregate classification (germline): Uncertain significance (1 of 4 stars; one submission).

Conditions:
Macrothrombocytopenia and granulocyte inclusions with or without nephritis or sensorineural hearing loss (MATINS). Also called: BLEEDING DISORDER, PLATELET-TYPE, 6; DOHLE LEUKOCYTE INCLUSIONS WITH GIANT PLATELETS; MAY-HEGGLIN ANOMALY; SEBASTIAN PLATELET SYNDROME; MACROTHROMBOCYTOPENIA WITH DISPERSED LEUKOCYTIC INCLUSIONS; MACROTHROMBOCYTOPENIA, NEPHRITIS, AND DEAFNESS. Identifiers: Orphanet 182050, MedGen C5200934, MONDO:0015912, OMIM 155100.

gnomAD v4.1: 1 of 1,614,108 alleles (0.000062%); highest among the groups gnomAD compares: East Asian, 0.0022%; no homozygotes.

Submission:

Dubai Health Genomic Medicine Center, Dubai Health
Classification: Uncertain significance for Macrothrombocytopenia and granulocyte inclusions with or without nephritis or sensorineural hearing loss. Last evaluated: 2020-04-28. Review status: criteria provided, single submitter. Criteria: ACMG Guidelines, 2015. Collection method: clinical testing. Allele origin: germline. Affected: yes.
Comment: The p.Ala436Thr missense variant in MYH9 has not been previously reported in affected individuals but was identified in 1/18392 East Asian alleles in the Genome Aggregation Database (gnomAD). Computational prediction tools and conservation analysis suggest an impact to protein function though this information is not predictive enough to confirm pathogenicity. In summary more information is needed to determine the clinical significance of this variant.